The following is an entry in ClinVar:

NM_032776.3(JMJD1C):c.3982C>G (p.Arg1328Gly)

Gene: JMJD1C (jumonji domain containing 1C; minus strand). Cytogenetic location: 10q21.3.
Variant type: single nucleotide variant.
Coding change: c.3982C>G on transcript NM_032776.3 (MANE Select); coding-DNA position 3982, C replaced by G.
Protein change: p.Arg1328Gly; replaces arginine 1328 with glycine.
Molecular consequence: missense variant. On other transcripts: non-coding transcript variant (1).
Genome position (GRCh38, 1-based): chr10:63,207,687, G>C on the plus strand (C>G on the coding strand, the complement: JMJD1C is on the minus strand). VCF-style: chr10-63207687-G-C. GRCh37 (hg19) VCF-style: chr10-64967447-G-C.
Other names: c.3436C>G, p.Arg1146Gly (NM_001282948.2, NM_001318154.2); c.3118C>G, p.Arg1040Gly (NM_001318153.2); c.3868C>G, p.Arg1290Gly (NM_001322252.2); c.3325C>G, p.Arg1109Gly (NM_001322254.2, NM_001322258.2); short protein forms R1040G, R1109G, R1146G, R1290G, R1328G.
Identifiers: ClinVar variation 1003284 (VCV001003284.8), dbSNP rs1336237703, ClinGen allele CA377039017.

ClinVar aggregate classification (germline): Uncertain significance (1 of 4 stars; one submission).

Conditions:
Early Myoclonic Encephalopathy. Identifiers: MedGen C0270855.

Allele frequency attached by ClinVar (database versions not stated): gnomAD exomes below 0.00001 and 0.00001; TOPMed 0.00001.
gnomAD v4.1: 6 of 1,614,058 alleles (0.00037%); highest among the groups gnomAD compares: African/African-American, 0.0027%; no homozygotes.

Submission:

Labcorp Genetics (formerly Invitae), Labcorp
Classification: Uncertain significance for Early Myoclonic Encephalopathy. Last evaluated: 2022-03-19. Review status: criteria provided, single submitter. Criteria: Invitae Variant Classification Sherloc (09022015). Collection method: clinical testing. Allele origin: germline.
Comment: This sequence change replaces arginine, which is basic and polar, with glycine, which is neutral and non-polar, at codon 1328 of the JMJD1C protein (p.Arg1328Gly). This variant is present in population databases (no rsID available, gnomAD 0.01%). This missense change has been observed in individual(s) with an autism spectrum disorder (PMID: 26181491). ClinVar contains an entry for this variant (Variation ID: 1003284). Algorithms developed to predict the effect of missense changes on protein structure and function are either unavailable or do not agree on the potential impact of this missense change (SIFT: "Deleterious"; PolyPhen-2: "Possibly Damaging"; Align-GVGD: "Class C0"). In summary, the available evidence is currently insufficient to determine the role of this variant in disease. Therefore, it has been classified as a Variant of Uncertain Significance.

Literature cited by the submitters: PubMed 26181491.